The following is an entry in ClinVar:

ClinVar aggregate classification (germline): Uncertain significance (1 of 4 stars; one submission).

Conditions:
Inborn genetic diseases. Identifiers: MedGen C0950123, MeSH D030342.

Submission:

Ambry Genetics
Classification: Uncertain significance for Inborn genetic diseases. Last evaluated: 2025-12-23. Review status: criteria provided, single submitter. Criteria: Ambry Variant Classification Scheme 2023. Collection method: clinical testing. Allele origin: germline.
Comment: The p.I196L variant (also known as c.586A>C), located in coding exon 1 of the SAMD9L gene, results from an A to C substitution at nucleotide position 586. The isoleucine at codon 196 is replaced by leucine, an amino acid with highly similar properties. This amino acid position is conserved. In addition, this alteration is predicted to be tolerated by in silico analysis. Based on the available evidence, the clinical significance of this variant remains unclear.

NM_152703.5(SAMD9L):c.586A>C (p.Ile196Leu)

Gene: SAMD9L (sterile alpha motif domain containing 9 like; minus strand). Cytogenetic location: 7q21.2.
Variant type: single nucleotide variant.
Coding change: c.586A>C on transcript NM_152703.5 (MANE Select); coding-DNA position 586, A replaced by C.
Protein change: p.Ile196Leu; replaces isoleucine 196 with leucine.
Molecular consequence: missense variant.
Genome position (GRCh38, 1-based): chr7:93,135,386, T>G on the plus strand (A>C on the coding strand, the complement: SAMD9L is on the minus strand). VCF-style: chr7-93135386-T-G. GRCh37 (hg19) VCF-style: chr7-92764699-T-G.
Other names: c.586A>C, p.Ile196Leu (NM_001303496.3, NM_001303497.3, NM_001303498.3 and 5 more transcripts); short protein forms I196L.
Identifiers: ClinVar variation 4842013 (VCV004842013.1).